The following is an entry in ClinVar:

ClinVar aggregate classification (germline): Pathogenic (1 of 4 stars; one submission).

Conditions:
Hypogonadotropic hypogonadism 1 with or without anosmia (HH1). Also called: Kallmann syndrome, type 1, X-linked; DYSPLASIA OLFACTOGENITALIS OF DE MORSIER; HYPOGONADOTROPIC HYPOGONADISM AND ANOSMIA; HYPOGONADOTROPIC HYPOGONADISM 1 WITH ANOSMIA; KAL1-Related GnRH Deficiency (Kallmann Syndrome 1; Kallmann Syndrome, X-Linked); Hypogonadotropic hypogonadism 1 with or without anosmia (Kallmann syndrome 1). Identifiers: Orphanet 478, MedGen C1563719, MONDO:0010635, OMIM 308700. Disease mechanism: loss of function.

Submission:

Labcorp Genetics (formerly Invitae), Labcorp
Classification: Pathogenic for Hypogonadotropic hypogonadism 1 with or without anosmia. Last evaluated: 2024-10-28. Review status: criteria provided, single submitter. Criteria: Invitae Variant Classification Sherloc (09022015). Collection method: clinical testing. Allele origin: germline.
Comment: This sequence change creates a premature translational stop signal (p.Leu178Valfs*25) in the ANOS1 gene. It is expected to result in an absent or disrupted protein product. Loss-of-function variants in ANOS1 are known to be pathogenic (PMID: 8504298, 11297579). This variant is present in population databases (no rsID available, gnomAD 0.006%), including at least one homozygous and/or hemizygous individual. This variant has not been reported in the literature in individuals affected with ANOS1-related conditions. For these reasons, this variant has been classified as Pathogenic.

Literature cited by the submitters: PubMed 8504298; PubMed 11297579.

NM_000216.4(ANOS1):c.532_533del (p.Leu178fs)

Gene: ANOS1 (anosmin 1; minus strand). Cytogenetic location: Xp22.31.
Variant type: Microsatellite.
Coding change: c.532_533del on transcript NM_000216.4 (MANE Select); coding-DNA positions 532 to 533, 2 bases deleted (CT; older notation c.532_533delCT).
Protein change: p.Leu178fs; shifts the reading frame from leucine 178.
Molecular consequence: frameshift variant.
Genome position (GRCh38, 1-based): chrX:8,597,042-8,597,043, AG deleted on the plus strand (CT on the coding strand, the reverse complement: ANOS1 is on the minus strand); deleting any 2 consecutive bases within chrX:8,597,042-8,597,045 gives the same sequence; the c. name uses the placement nearest the transcript's 3' end. VCF-style (leftmost placement, unchanged base first): chrX-8597041-CAG-C. GRCh37 (hg19) VCF-style: chrX-8565082-CAG-C.
Other names: short protein forms L178fs.
Identifiers: ClinVar variation 3684023 (VCV003684023.2).